The following is an entry in ClinVar:

GRCh38/hg38 2p16.3(chr2:50668289-51054620)x1

Genes: MIR8485 (microRNA 8485; minus strand), NRXN1 (neurexin 1; minus strand), NRXN1-DT (NRXN1 divergent transcript; plus strand). Cytogenetic location: 2p16.3.
Variant type: copy number loss.
Change: copy number 1 (one copy instead of two) of chr2:50,668,289-51,054,620 (386.3 kb, GRCh38 coordinates, 1-based), cytogenetic band 2p16.3.
Identifiers: ClinVar variation 4888320 (VCV004888320.1).

ClinVar aggregate classification (germline): Pathogenic (1 of 4 stars; one submission).

Conditions:
Complex neurodevelopmental disorder. Identifiers: Orphanet 528084, MedGen C5568766, MONDO:0100038.

Submission:

New York Genome Center
Classification: Pathogenic for Complex neurodevelopmental disorder. Last evaluated: 2024-08-26. Review status: criteria provided, single submitter. Criteria: NYGC Assertion Criteria 2020. Collection method: clinical testing. Allele origin: de novo. Observed: 1 variant allele.
Comment: An approximately ~386Kb apparently de novo deletion identified on the short arm of chromosome 2 in this sample (2p16.3) has over 20 similar deletions reported in affected individuals in literature [PMID: 18057082, 20468056, 22617343, 23495017, 37601975] and public variant repositories (Decipher ID: 915, 500998, 295734, 487030, 366635; ClinVar ID: nssv3396506, nssv577693, nssv1601974). There are rare, similar deletions on gnomAD SVs v4.1, which may be explained by the inclusion of individuals with neuropsychiatric conditions or individuals with mild neurodevelopmental disorders on gnomAD populations or by incomplete penetrance and variable expressivity reported for NRXN1-associated complex neurodevelopmental disorder [PMID: 30031152]. The deletion identified in this sample spans a region just upstream of the NRXN1 transcription start site through intron 5 of NRXN1. This deletion is predicted to result in loss-of-function by removing the first five exons, including the transcription start site. Based on available evidence this ~386Kb apparently de novo heterozygous deletion at 2p16.3 is classified here as Pathogenic.

Literature cited by the submitters: PubMed 18057082; PubMed 20468056; PubMed 22617343; PubMed 23495017; PubMed 37601975.